The following is an entry in ClinVar:

ClinVar aggregate classification (germline): Uncertain significance. Review status: criteria provided, multiple submitters, no conflicts (2 of 4 stars). 2 submissions from 2 submitters: Uncertain significance (2). Last evaluated 2026-09-01.

Allele frequency attached by ClinVar (database versions not stated): gnomAD 0.00001 and 0.00002; gnomAD exomes 0.00001 and 0.00002; TOPMed 0.00001; ExAC 0.00002.
gnomAD v4.1: 22 of 1,604,562 alleles (0.0014%); highest among the groups gnomAD compares: South Asian, 0.0033%; no homozygotes.

Submissions (2):

CeGaT Center for Human Genetics Tuebingen
Classification: Uncertain significance. Last evaluated: 2026-09-01. Review status: criteria provided, single submitter. Criteria: CeGaT Center For Human Genetics Tuebingen Variant Classification Criteria Version 2. Collection method: clinical testing. Allele origin: germline. Affected: yes. Observed: 1 variant allele.
Comment: COL9A3: PM2, PP3

Labcorp Genetics (formerly Invitae), Labcorp
Classification: Uncertain significance. Last evaluated: 2025-12-26. Review status: criteria provided, single submitter. Criteria: Invitae Variant Classification Sherloc (09022015). Collection method: clinical testing. Allele origin: germline.
Comment: This sequence change replaces arginine, which is basic and polar, with cysteine, which is neutral and slightly polar, at codon 138 of the COL9A3 protein (p.Arg138Cys). This variant is present in population databases (rs778300099, gnomAD 0.007%). This missense change has been observed in individual(s) with clinical features of COL9A3-related disorders (PMID: 38928247). ClinVar contains an entry for this variant (Variation ID: 1492996). Invitae Evidence Modeling of protein sequence and biophysical properties (such as structural, functional, and spatial information, amino acid conservation, physicochemical variation, residue mobility, and thermodynamic stability) indicates that this missense variant is not expected to disrupt COL9A3 protein function with a negative predictive value of 95%. In summary, the available evidence is currently insufficient to determine the role of this variant in disease. Therefore, it has been classified as a Variant of Uncertain Significance.

Literature cited by the submitters: PubMed 38928247 (cited by Labcorp Genetics (formerly Invitae), Labcorp).

NM_001853.4(COL9A3):c.412C>T (p.Arg138Cys)

Gene: COL9A3 (collagen type IX alpha 3 chain; plus strand). Cytogenetic location: 20q13.33.
Variant type: single nucleotide variant.
Coding change: c.412C>T on transcript NM_001853.4 (MANE Select); coding-DNA position 412, C replaced by T.
Protein change: p.Arg138Cys; replaces arginine 138 with cysteine.
Molecular consequence: missense variant.
Genome position (GRCh38, 1-based): chr20:62,821,799, C>T. VCF-style: chr20-62821799-C-T. GRCh37 (hg19) VCF-style: chr20-61453151-C-T.
Other names: short protein forms R138C.
Identifiers: ClinVar variation 1492996 (VCV001492996.9), dbSNP rs778300099, ClinGen allele CA9949236.
Genomic context (GRCh38, chr20:62,821,799, plus strand): 5'-CTCTTTACTTCCCTCCAGGGAGAGGCAGGAGTGAGCGGCCCCCCAGGTGGGATCGGCCTC[C>T]GCGGCCCCCCGGTGAGTGGCTGTCCCAGAGCCCCTCAGAGTGTGCTCACCTGTGGCCTCC-3'
Protein context (NP_001844.3, residues 128-148): VSGPPGGIGL[Arg138Cys]GPPGPSGLPG